The following is an entry in ClinVar:

NM_080680.3(COL11A2):c.557A>G (p.His186Arg)

Gene: COL11A2 (collagen type XI alpha 2 chain; minus strand). Cytogenetic location: 6p21.32.
Variant type: single nucleotide variant.
Coding change: c.557A>G on transcript NM_080680.3 (MANE Select); coding-DNA position 557, A replaced by G.
Protein change: p.His186Arg; replaces histidine 186 with arginine.
Molecular consequence: missense variant. On other transcripts: 5 prime UTR variant (3), non-coding transcript variant (1).
Genome position (GRCh38, 1-based): chr6:33,188,411, T>C on the plus strand (A>G on the coding strand, the complement: COL11A2 is on the minus strand). VCF-style: chr6-33188411-T-C. GRCh37 (hg19) VCF-style: chr6-33156188-T-C.
Other names: c.557A>G, p.His186Arg (NM_001163771.2, NM_001424108.1, NM_080679.3 and 1 more transcripts); c.-290A>G (NM_001424109.1, NM_001424110.1, NM_001424111.1); short protein forms H186R.
Identifiers: ClinVar variation 3673315 (VCV003673315.2).
Genomic context (GRCh38, chr6:33,188,411, plus strand): 5'-GCTCTGGTTACCTCAAAGACTTCTTCATCCAGAATACGGGCACCAAAGATGATCACTCCA[T>C]GGGTGTCCAATACTGGACGAGCACTTCGGGGGAGAGGCCGGGTGACTCGCTTCTTGCAGT-3'
Protein context (NP_542411.2, residues 176-196): PRSARPVLDT[His186Arg]GVIIFGARIL

ClinVar aggregate classification (germline): Uncertain significance (1 of 4 stars; one submission).

gnomAD v4.1: 7 of 1,613,020 alleles (0.00043%); highest among the groups gnomAD compares: African/African-American, 0.0013%; no homozygotes.

Submission:

Labcorp Genetics (formerly Invitae), Labcorp
Classification: Uncertain significance. Last evaluated: 2024-08-15. Review status: criteria provided, single submitter. Criteria: Invitae Variant Classification Sherloc (09022015). Collection method: clinical testing. Allele origin: germline.
Comment: This sequence change replaces histidine, which is basic and polar, with arginine, which is basic and polar, at codon 186 of the COL11A2 protein (p.His186Arg). This variant is present in population databases (no rsID available, gnomAD 0.0009%). This variant has not been reported in the literature in individuals affected with COL11A2-related conditions. Invitae Evidence Modeling of protein sequence and biophysical properties (such as structural, functional, and spatial information, amino acid conservation, physicochemical variation, residue mobility, and thermodynamic stability) indicates that this missense variant is not expected to disrupt COL11A2 protein function with a negative predictive value of 95%. In summary, the available evidence is currently insufficient to determine the role of this variant in disease. Therefore, it has been classified as a Variant of Uncertain Significance.